The following is an entry in ClinVar:

ClinVar aggregate classification (germline): Uncertain significance (0 of 4 stars; one submission).

Conditions:
Prostate cancer. Also called: Malignant tumor of prostate. Identifiers: Orphanet 1331, MedGen C0376358, MONDO:0008315, HP:0012125.

Submission:

Science for Life laboratory,  Karolinska Institutet
Classification: Uncertain significance for Malignant tumor of prostate. Review status: no assertion criteria provided. Collection method: not provided. Allele origin: somatic.
Comment: TumorID:SWE-92A
ClinVar note: Converted during submission from Unknown to Uncertain significance.

NM_001008949.3(ITPRIPL1):c.1315G>A (p.Ala439Thr)

Gene: ITPRIPL1 (ITPRIP like 1; plus strand). Cytogenetic location: 2q11.2.
Variant type: single nucleotide variant.
Coding change: c.1315G>A on transcript NM_001008949.3 (MANE Select); coding-DNA position 1315, G replaced by A.
Protein change: p.Ala439Thr; replaces alanine 439 with threonine.
Molecular consequence: missense variant.
Genome position (GRCh38, 1-based): chr2:96,327,946, G>A. VCF-style: chr2-96327946-G-A. GRCh37 (hg19) VCF-style: chr2-96993684-G-A.
Other names: c.1291G>A, p.Ala431Thr (NM_001163523.2, NM_001163524.1, NM_001324490.1); c.1339G>A, p.Ala447Thr (NM_178495.6); short protein forms A431T, A439T, A447T.
Identifiers: ClinVar variation 161542 (VCV000161542.2), dbSNP rs193921120, ClinGen allele CA174300.